The following is an entry in ClinVar:

ClinVar aggregate classification (germline): Uncertain significance (1 of 4 stars; one submission).

Conditions:
Spermatogenic failure 18. Identifiers: MedGen C4539783, MONDO:0054615, OMIM 617576.
Ciliary dyskinesia, primary, 37 (CILD37). Also called: CILIARY DYSKINESIA, PRIMARY, 37, WITH OR WITHOUT SITUS INVERSUS. Identifiers: MedGen C4539798, MONDO:0033204, OMIM 617577.

Allele frequency attached by ClinVar (database versions not stated): gnomAD 0.00001; ExAC 0.00006; 1000 Genomes Project 30x 0.00016; 1000 Genomes Project 0.00020.
gnomAD v4.1: 20 of 1,613,716 alleles (0.0012%); highest among the groups gnomAD compares: Admixed American, 0.032%; no homozygotes.

Submission:

Labcorp Genetics (formerly Invitae), Labcorp
Classification: Uncertain significance for Ciliary dyskinesia, primary, 37; Spermatogenic failure 18. Last evaluated: 2022-10-24. Review status: criteria provided, single submitter. Criteria: Invitae Variant Classification Sherloc (09022015). Collection method: clinical testing. Allele origin: germline.
Comment: In summary, the available evidence is currently insufficient to determine the role of this variant in disease. Therefore, it has been classified as a Variant of Uncertain Significance. Advanced modeling of protein sequence and biophysical properties (such as structural, functional, and spatial information, amino acid conservation, physicochemical variation, residue mobility, and thermodynamic stability) performed at Invitae indicates that this missense variant is not expected to disrupt DNAH1 protein function. This variant has not been reported in the literature in individuals affected with DNAH1-related conditions. This variant is present in population databases (rs182983770, gnomAD 0.05%). This sequence change replaces methionine, which is neutral and non-polar, with valine, which is neutral and non-polar, at codon 2450 of the DNAH1 protein (p.Met2450Val).

NM_015512.5(DNAH1):c.7348A>G (p.Met2450Val)

Gene: DNAH1 (dynein axonemal heavy chain 1; plus strand). Cytogenetic location: 3p21.1.
Variant type: single nucleotide variant.
Coding change: c.7348A>G on transcript NM_015512.5 (MANE Select); coding-DNA position 7348, A replaced by G.
Protein change: p.Met2450Val; replaces methionine 2450 with valine.
Molecular consequence: missense variant.
Genome position (GRCh38, 1-based): chr3:52,378,751, A>G. VCF-style: chr3-52378751-A-G. GRCh37 (hg19) VCF-style: chr3-52412767-A-G.
Other names: short protein forms M2450V.
Identifiers: ClinVar variation 2142917 (VCV002142917.2), dbSNP rs182983770, ClinGen allele CA2434853.